The following is an entry in ClinVar:

ClinVar aggregate classification (germline): Uncertain significance (1 of 4 stars; one submission).

Allele frequency attached by ClinVar (database versions not stated): gnomAD exomes below 0.00001; ExAC 0.00003.
gnomAD v4.1: 5 of 1,597,310 alleles (0.00031%); highest among the groups gnomAD compares: Non-Finnish European, 0.00043%; no homozygotes.

Submission:

Labcorp Genetics (formerly Invitae), Labcorp
Classification: Uncertain significance. Last evaluated: 2022-09-27. Review status: criteria provided, single submitter. Criteria: Invitae Variant Classification Sherloc (09022015). Collection method: clinical testing. Allele origin: germline.
Comment: In summary, the available evidence is currently insufficient to determine the role of this variant in disease. Therefore, it has been classified as a Variant of Uncertain Significance. Advanced modeling of protein sequence and biophysical properties (such as structural, functional, and spatial information, amino acid conservation, physicochemical variation, residue mobility, and thermodynamic stability) performed at Invitae indicates that this missense variant is not expected to disrupt ITGA3 protein function. This variant has not been reported in the literature in individuals affected with ITGA3-related conditions. This variant is present in population databases (rs760388490, gnomAD 0.004%). This sequence change replaces isoleucine, which is neutral and non-polar, with threonine, which is neutral and polar, at codon 1010 of the ITGA3 protein (p.Ile1010Thr).

NM_002204.4(ITGA3):c.3029T>C (p.Ile1010Thr)

Gene: ITGA3 (integrin subunit alpha 3; plus strand). Cytogenetic location: 17q21.33.
Variant type: single nucleotide variant.
Coding change: c.3029T>C on transcript NM_002204.4 (MANE Select); coding-DNA position 3029, T replaced by C.
Protein change: p.Ile1010Thr; replaces isoleucine 1010 with threonine.
Molecular consequence: missense variant.
Genome position (GRCh38, 1-based): chr17:50,087,853, T>C. VCF-style: chr17-50087853-T-C. GRCh37 (hg19) VCF-style: chr17-48165217-T-C.
Other names: short protein forms I1010T.
Identifiers: ClinVar variation 2038101 (VCV002038101.4), dbSNP rs760388490, ClinGen allele CA8642129.